The following is an entry in ClinVar:

ClinVar aggregate classification (germline): Uncertain significance (1 of 4 stars; one submission).

Conditions:
Inborn genetic diseases. Identifiers: MedGen C0950123, MeSH D030342.

Submission:

Ambry Genetics
Classification: Uncertain significance for Inborn genetic diseases. Last evaluated: 2026-08-04. Review status: criteria provided, single submitter. Criteria: Ambry Variant Classification Scheme 2023. Collection method: clinical testing. Allele origin: germline.
Comment: The p.S502N variant (also known as c.1505G>A), located in coding exon 7 of the SH2B3 gene, results from a G to A substitution at nucleotide position 1505. The serine at codon 502 is replaced by asparagine, an amino acid with highly similar properties. This amino acid position is conserved. In addition, this alteration is predicted to be tolerated by in silico analysis. Based on the available evidence, the clinical significance of this variant remains unclear.

NM_005475.3(SH2B3):c.1505G>A (p.Ser502Asn)

Gene: SH2B3 (SH2B adaptor protein 3; plus strand). Cytogenetic location: 12q24.12.
Variant type: single nucleotide variant.
Coding change: c.1505G>A on transcript NM_005475.3 (MANE Select); coding-DNA position 1505, G replaced by A.
Protein change: p.Ser502Asn; replaces serine 502 with asparagine.
Molecular consequence: missense variant.
Genome position (GRCh38, 1-based): chr12:111,448,079, G>A. VCF-style: chr12-111448079-G-A. GRCh37 (hg19) VCF-style: chr12-111885883-G-A.
Other names: c.899G>A, p.Ser300Asn (NM_001291424.1); short protein forms S300N, S502N.
Identifiers: ClinVar variation 5029493 (VCV005029493.1).
Genomic context (GRCh38, chr12:111,448,079, plus strand): 5'-CTCACTGGGATTCAGAGTCCCTTCCTCACTGGGGTTCAGAGTTGGGCCTTCCCCACCTTA[G>A]TTCTTCTGGCTGTCCCCGGGGGCTCAGCCCAGAGGGTCTCCCAGGGCGATCCTCACCCCC-3'
Protein context (NP_005466.1, residues 492-512): WGSELGLPHL[Ser502Asn]SSGCPRGLSP